The following is an entry in ClinVar:

NM_178510.2(ANKK1):c.943C>T (p.Arg315Cys)

Gene: ANKK1 (ankyrin repeat and kinase domain containing 1; plus strand). Cytogenetic location: 11q23.2.
Variant type: single nucleotide variant.
Coding change: c.943C>T on transcript NM_178510.2 (MANE Select); coding-DNA position 943, C replaced by T.
Protein change: p.Arg315Cys; replaces arginine 315 with cysteine.
Molecular consequence: missense variant.
Genome position (GRCh38, 1-based): chr11:113,397,328, C>T. VCF-style: chr11-113397328-C-T. GRCh37 (hg19) VCF-style: chr11-113268050-C-T.
Other names: short protein forms R315C.
Identifiers: ClinVar variation 3034875 (VCV003034875.2), dbSNP rs114931186, ClinGen allele CA6280793.

ClinVar aggregate classification (germline): Benign (0 of 4 stars; one submission).

Conditions:
ANKK1-related disorder. Also called: ANKK1-related condition.

Allele frequency attached by ClinVar (database versions not stated): gnomAD 0.00285; ESP Exome Variant Server 0.00289; 1000 Genomes Project 0.00300; 1000 Genomes Project 30x 0.00312.

Submission:

PreventionGenetics, part of Exact Sciences
Classification: Benign for ANKK1-related condition. Last evaluated: 2019-10-28. Review status: no assertion criteria provided. Collection method: clinical testing. Allele origin: germline.
Comment: This variant is classified as benign based on ACMG/AMP sequence variant interpretation guidelines (Richards et al. 2015 PMID: 25741868, with internal and published modifications).